The following is an entry in ClinVar:

NM_000057.4(BLM):c.2480T>C (p.Met827Thr)

Gene: BLM (BLM RecQ like helicase; plus strand). Cytogenetic location: 15q26.1.
Variant type: single nucleotide variant.
Coding change: c.2480T>C on transcript NM_000057.4 (MANE Select); coding-DNA position 2480, T replaced by C.
Protein change: p.Met827Thr; replaces methionine 827 with threonine.
Molecular consequence: missense variant.
Genome position (GRCh38, 1-based): chr15:90,769,511, T>C. VCF-style: chr15-90769511-T-C. GRCh37 (hg19) VCF-style: chr15-91312741-T-C.
Other names: c.2480T>C, p.Met827Thr (NM_001287246.2, NM_001287247.2); c.1355T>C, p.Met452Thr (NM_001287248.2); short protein forms M452T, M827T.
Identifiers: ClinVar variation 821363 (VCV000821363.13), dbSNP rs748250819, ClinGen allele CA7738787.

ClinVar aggregate classification (germline): Uncertain significance. Review status: criteria provided, multiple submitters, no conflicts (2 of 4 stars). 3 submissions from 3 submitters: Uncertain significance (2). 1 of the submissions does not count toward it. Last evaluated 2025-10-17.

Conditions:
Hereditary cancer-predisposing syndrome. Also called: Neoplastic Syndromes, Hereditary; Tumor predisposition; Hereditary Cancer Syndrome; Hereditary neoplastic syndrome. Identifiers: Orphanet 140162, MedGen C0027672, MeSH D009386, MONDO:0015356.
Bloom syndrome (BLM). Also called: Bloom-Torre-Machacek syndrome. Identifiers: Orphanet 125, MedGen C0005859, MONDO:0008876, OMIM 210900.

gnomAD v4.1: 11 of 1,613,994 alleles (0.00068%); highest among the groups gnomAD compares: Non-Finnish European, 0.00076%; no homozygotes.

Submissions (3):

Labcorp Genetics (formerly Invitae), Labcorp
Classification: Uncertain significance for Bloom syndrome. Last evaluated: 2025-10-17. Review status: criteria provided, single submitter. Criteria: Invitae Variant Classification Sherloc (09022015). Collection method: clinical testing. Allele origin: germline.
Comment: This sequence change replaces methionine, which is neutral and non-polar, with threonine, which is neutral and polar, at codon 827 of the BLM protein (p.Met827Thr). This variant is present in population databases (rs748250819, gnomAD 0.0009%). This variant has not been reported in the literature in individuals affected with BLM-related conditions. ClinVar contains an entry for this variant (Variation ID: 821363). Invitae Evidence Modeling of protein sequence and biophysical properties (such as structural, functional, and spatial information, amino acid conservation, physicochemical variation, residue mobility, and thermodynamic stability) indicates that this missense variant is expected to disrupt BLM protein function with a positive predictive value of 80%. In summary, the available evidence is currently insufficient to determine the role of this variant in disease. Therefore, it has been classified as a Variant of Uncertain Significance.

Ambry Genetics
Classification: Uncertain significance for Hereditary cancer-predisposing syndrome. Last evaluated: 2024-06-08. Review status: criteria provided, single submitter. Criteria: Ambry Variant Classification Scheme 2023. Collection method: clinical testing. Allele origin: germline.
Comment: The p.M827T variant (also known as c.2480T>C), located in coding exon 11 of the BLM gene, results from a T to C substitution at nucleotide position 2480. The methionine at codon 827 is replaced by threonine, an amino acid with similar properties. This amino acid position is highly conserved in available vertebrate species. In addition, the in silico prediction for this alteration is inconclusive. Since supporting evidence is limited at this time, the clinical significance of this alteration remains unclear.

Natera, Inc.
Classification: Uncertain significance for Bloom syndrome. Last evaluated: 2020-09-16. Review status: no assertion criteria provided. Collection method: clinical testing. Allele origin: germline. Not counted in ClinVar's aggregate classification.